The following is an entry in ClinVar:

NM_017617.5(NOTCH1):c.5671A>G (p.Ser1891Gly)

Gene: NOTCH1 (notch receptor 1; minus strand). Cytogenetic location: 9q34.3.
Variant type: single nucleotide variant.
Coding change: c.5671A>G on transcript NM_017617.5 (MANE Select); coding-DNA position 5671, A replaced by G.
Protein change: p.Ser1891Gly; replaces serine 1891 with glycine.
Molecular consequence: missense variant.
Genome position (GRCh38, 1-based): chr9:136,500,815, T>C on the plus strand (A>G on the coding strand, the complement: NOTCH1 is on the minus strand). VCF-style: chr9-136500815-T-C. GRCh37 (hg19) VCF-style: chr9-139395267-T-C.
Other names: short protein forms S1891G.
Identifiers: ClinVar variation 1486399 (VCV001486399.6), dbSNP rs2133326726, ClinGen allele CA375637757.
Genomic context (GRCh38, chr9:136,500,815, plus strand): 5'-AGATGACGGCCGGCGCGTCCTCCTCTTCCTCGCTGTTGCCCGTCTCCAGGCCGCCCCCGC[T>C]GCAGGAGGCGATCATGAGCGGGGTGAAGCCATCTGCAGAGGCAGAGACGGGTGCTCAGTC-3'
Protein context (NP_060087.3, residues 1881-1901): GFTPLMIASC[Ser1891Gly]GGGLETGNSE

ClinVar aggregate classification (germline): Uncertain significance (1 of 4 stars; one submission).

Conditions:
Adams-Oliver syndrome 5 (AOS5). Identifiers: Orphanet 974, MedGen C4014970, MONDO:0014459, OMIM 616028.

Submission:

Labcorp Genetics (formerly Invitae), Labcorp
Classification: Uncertain significance for Adams-Oliver syndrome 5. Last evaluated: 2021-09-03. Review status: criteria provided, single submitter. Criteria: Invitae Variant Classification Sherloc (09022015). Collection method: clinical testing. Allele origin: germline.
Comment: In summary, the available evidence is currently insufficient to determine the role of this variant in disease. Therefore, it has been classified as a Variant of Uncertain Significance. Advanced modeling of protein sequence and biophysical properties (such as structural, functional, and spatial information, amino acid conservation, physicochemical variation, residue mobility, and thermodynamic stability) performed at Invitae indicates that this missense variant is not expected to disrupt NOTCH1 protein function. This variant has not been reported in the literature in individuals affected with NOTCH1-related conditions. This variant is not present in population databases (ExAC no frequency). This sequence change replaces serine with glycine at codon 1891 of the NOTCH1 protein (p.Ser1891Gly). The serine residue is highly conserved and there is a small physicochemical difference between serine and glycine.